The following is an entry in ClinVar:

ClinVar aggregate classification (germline): Benign/Likely benign. Review status: criteria provided, multiple submitters, no conflicts (2 of 4 stars). 9 submissions from 9 submitters: Benign (7); Likely benign (1). 1 of the submissions does not count toward it. Last evaluated 2026-02-04.

Conditions:
MPI-congenital disorder of glycosylation. Also called: CDG Ib; CONGENITAL DISORDER OF GLYCOSYLATION, TYPE Ib; MPI-CDG; MPI DEFICIENCY; MANNOSEPHOSPHATE ISOMERASE DEFICIENCY; PROTEIN-LOSING ENTEROPATHY-HEPATIC FIBROSIS SYNDROME. Identifiers: Orphanet 79319, MedGen C1865145, MONDO:0011257, OMIM 602579.

Allele frequency attached by ClinVar (database versions not stated): 1000 Genomes Project 0.02336; gnomAD exomes 0.02903 and 0.02541; ESP Exome Variant Server 0.02141; ExAC 0.02683; TOPMed 0.01749; gnomAD 0.01985 and 0.02094; 1000 Genomes Project 30x 0.02186.
gnomAD v4.1: 45,385 of 1,614,080 alleles (2.8%); highest among the groups gnomAD compares: South Asian, 6.7%; 886 homozygotes.

Submissions (9):

Labcorp Genetics (formerly Invitae), Labcorp
Classification: Benign for MPI-congenital disorder of glycosylation. Last evaluated: 2026-02-04. Review status: criteria provided, single submitter. Criteria: Invitae Variant Classification Sherloc (09022015). Collection method: clinical testing. Allele origin: germline.

Blueprint Genetics
Classification: Likely benign. Last evaluated: 2024-11-27. Review status: criteria provided, single submitter. Criteria: ACMG Guidelines, 2015. Collection method: clinical testing. Allele origin: germline.

Mayo Clinic Laboratories, Mayo Clinic
Classification: Benign. Last evaluated: 2020-07-10. Review status: criteria provided, single submitter. Criteria: ACMG Guidelines, 2015. Collection method: clinical testing. Allele origin: germline. Observed: 4 variant alleles.

Illumina Laboratory Services, Illumina
Classification: Benign for MPI-congenital disorder of glycosylation. Last evaluated: 2018-01-13. Review status: criteria provided, single submitter. Criteria: ICSL Variant Classification Criteria 13 December 2019. Collection method: clinical testing. Allele origin: germline.
Comment: This variant was observed in the ICSL laboratory as part of a predisposition screen in an ostensibly healthy population. It had not been previously curated by ICSL or reported in the Human Gene Mutation Database (HGMD: prior to June 1st, 2018), and was therefore a candidate for classification through an automated scoring system. Utilizing variant allele frequency, disease prevalence and penetrance estimates, and inheritance mode, an automated score was calculated to assess if this variant is too frequent to cause the disease. Based on the score and internal cut-off values, a variant classified as benign is not then subjected to further curation. The score for this variant resulted in a classification of benign for this disease.

GeneDx
Classification: Benign. Last evaluated: 2016-01-27. Review status: criteria provided, single submitter. Criteria: GeneDx Variant Classification (06012015). Collection method: clinical testing. Allele origin: germline. Affected: yes.
Comment: This variant is considered likely benign or benign based on one or more of the following criteria: it is a conservative change, it occurs at a poorly conserved position in the protein, it is predicted to be benign by multiple in silico algorithms, and/or has population frequency not consistent with disease.

Eurofins Ntd Llc (ga)
Classification: Benign. Last evaluated: 2014-01-14. Review status: criteria provided, single submitter. Criteria: EGL Classification Definitions 2015. Collection method: clinical testing. Allele origin: germline. Observed: 4 variant alleles, 3 heterozygotes, 1 homozygote.

Breakthrough Genomics
Classification: Benign. Review status: criteria provided, single submitter. Criteria: ACMG Guidelines, 2015. Collection method: not provided. Allele origin: germline. Inheritance: Autosomal recessive inheritance. Affected: yes.

PreventionGenetics, part of Exact Sciences
Classification: Benign. Review status: criteria provided, single submitter. Criteria: ACMG Guidelines, 2015. Collection method: clinical testing. Allele origin: germline.

Natera, Inc.
Classification: Benign for Congenital disorder of glycosylation type 1b. Last evaluated: 2020-09-16. Review status: no assertion criteria provided. Collection method: clinical testing. Allele origin: germline. Not counted in ClinVar's aggregate classification.

NM_002435.3(MPI):c.684C>T (p.Asn228=)

Gene: MPI (mannose phosphate isomerase; plus strand). Cytogenetic location: 15q24.1.
Variant type: single nucleotide variant.
Coding change: c.684C>T on transcript NM_002435.3 (MANE Select); coding-DNA position 684, C replaced by T.
Protein change: p.Asn228=; no amino-acid change (asparagine 228 retained).
Molecular consequence: synonymous variant.
Genome position (GRCh38, 1-based): chr15:74,896,165, C>T. VCF-style: chr15-74896165-C-T. GRCh37 (hg19) VCF-style: chr15-75188506-C-T.
Other names: p.Asn228=; c.684C>T, p.Asn228= (NM_001289155.2); c.534C>T, p.Asn178= (NM_001289156.2); c.501C>T, p.Asn167= (NM_001289157.2); c.624C>T, p.Asn208= (NM_001330372.2).
Identifiers: ClinVar variation 167305 (VCV000167305.22), dbSNP rs139190144, ClinGen allele CA180198.